The following is an entry in ClinVar:

NM_005186.4(CAPN1):c.462G>A (p.Trp154Ter)

Gene: CAPN1 (calpain 1; plus strand). Cytogenetic location: 11q13.1.
Variant type: single nucleotide variant.
Coding change: c.462G>A on transcript NM_005186.4 (MANE Select); coding-DNA position 462, G replaced by A.
Protein change: p.Trp154Ter; replaces tryptophan 154 with a stop codon.
Molecular consequence: nonsense. On other transcripts: non-coding transcript variant (1).
Genome position (GRCh38, 1-based): chr11:65,185,922, G>A. VCF-style: chr11-65185922-G-A. GRCh37 (hg19) VCF-style: chr11-64953393-G-A.
Other names: c.462G>A, p.Trp154Ter (NM_001198868.2, NM_001198869.2); short protein forms W154*.
Identifiers: ClinVar variation 4857176 (VCV004857176.1).

ClinVar aggregate classification (germline): Pathogenic (1 of 4 stars; one submission).

Conditions:
Autosomal recessive spastic paraplegia type 76. Identifiers: Orphanet 488594, MedGen C5567483, MONDO:0014827, OMIM 616907.

Submission:

Genetics Research Center, University of Social Welfare and Rehabilitation Sciences
Classification: Pathogenic for Autosomal recessive spastic paraplegia type 76. Review status: criteria provided, single submitter. Criteria: ACMG Guidelines, 2015. Collection method: clinical testing. Allele origin: germline. Inheritance: Autosomal recessive inheritance. Affected: yes. Observed: 1 variant allele, 1 homozygote.
Comment: The c.462G>A​(p.Trp154*) variant causes a stop gained change involving the alteration of a conserved nucleotide (Phylop100 = 9.91). The variant was absent in control chromosomes in GnomAD project. In-silico tool predicts a pathogenic outcome for this variant (e.g. CADD score = 39). It co-segregated with the disease status. Overall, the variant meets PVS1, PM2, and PP1 ACMG criteria.

Literature cited by the submitters: PubMed 42120987.